The following is an entry in ClinVar:

ClinVar aggregate classification (germline): Pathogenic/Likely pathogenic. Review status: criteria provided, multiple submitters, no conflicts (2 of 4 stars). 2 submissions from 2 submitters: Pathogenic (1); Likely pathogenic (1). Last evaluated 2025-02-14.

Conditions:
CEP78-related disorder. Also called: CEP78-related condition.

Submissions (2):

PreventionGenetics, part of Exact Sciences
Classification: Likely pathogenic for CEP78-related condition. Last evaluated: 2025-02-14. Review status: criteria provided, single submitter. Criteria: ACMG Guidelines, 2015. Collection method: clinical testing. Allele origin: germline.
Comment: The CEP78 c.1422_1425delAAGA variant is predicted to result in premature protein termination (p.Arg475*). To our knowledge, this variant has not been reported in the literature. This variant is absent in a large population database (gnomAD), indicating this variant is rare. Nonsense variants in CEP78 are an established mechanism of disease. This variant is interpreted as likely pathogenic.

Labcorp Genetics (formerly Invitae), Labcorp
Classification: Pathogenic. Last evaluated: 2022-07-05. Review status: criteria provided, single submitter. Criteria: Invitae Variant Classification Sherloc (09022015). Collection method: clinical testing. Allele origin: germline.
Comment: For these reasons, this variant has been classified as Pathogenic. This variant has not been reported in the literature in individuals affected with CEP78-related conditions. This variant is not present in population databases (gnomAD no frequency). This sequence change creates a premature translational stop signal (p.Arg475*) in the CEP78 gene. It is expected to result in an absent or disrupted protein product. Loss-of-function variants in CEP78 are known to be pathogenic (PMID: 27588451, 27588452, 27627988).

Literature cited by the submitters: PubMed 27588451 (cited by Labcorp Genetics (formerly Invitae), Labcorp); PubMed 27588452 (cited by Labcorp Genetics (formerly Invitae), Labcorp); PubMed 27627988 (cited by Labcorp Genetics (formerly Invitae), Labcorp).

NM_001330691.3(CEP78):c.1419_1422del (p.Glu473_Arg474insTer)

Gene: CEP78 (centrosomal protein 78; plus strand). Cytogenetic location: 9q21.2.
Variant type: Microsatellite.
Coding change: c.1419_1422del on transcript NM_001330691.3 (MANE Select); coding-DNA positions 1419 to 1422, 4 bases deleted (AAGA; older notation c.1419_1422delAAGA).
Protein change: p.Glu473_Arg474insTer.
Molecular consequence: frameshift variant.
Genome position (GRCh38, 1-based): chr9:78,262,945-78,262,948, AAGA deleted; deleting any 4 consecutive bases within chr9:78,262,941-78,262,948 gives the same sequence; the c. name uses the placement nearest the transcript's 3' end. VCF-style (leftmost placement, unchanged base first): chr9-78262940-GAAGA-G. GRCh37 (hg19) VCF-style: chr9-80877856-GAAGA-G.
Other names: c.1422_1425del, p.Glu474_Arg475insTer (NM_001098802.3, NM_001349839.2, NM_001349840.2 and 1 more transcripts); c.1419_1422del, p.Glu473_Arg474insTer (NM_001330693.3, NM_001330694.2, NM_001349838.2); c.1422_1425delAAGA (NM_001098802.1).
Identifiers: ClinVar variation 1074390 (VCV001074390.8), dbSNP rs2118446474, ClinGen allele CA2580616219.